The following is an entry in ClinVar:

NM_001277058.2(ERCC6):c.2953C>T (p.Arg985Ter)

Genes: ERCC6 (ERCC excision repair 6, chromatin remodeling factor; minus strand), PGBD3 (piggyBac transposable element derived 3; minus strand). Cytogenetic location: 10q11.23.
Variant type: single nucleotide variant.
Coding change: c.2953C>T on transcript NM_001277058.2 (MANE Plus Clinical); coding-DNA position 2953, C replaced by T.
Protein change: p.Arg985Ter; replaces arginine 985 with a stop codon.
Molecular consequence: nonsense. On other transcripts: intron variant (2).
Genome position (GRCh38, 1-based): chr10:49,515,566, G>A on the plus strand (C>T on the coding strand, the complement: ERCC6 is on the minus strand). VCF-style: chr10-49515566-G-A. GRCh37 (hg19) VCF-style: chr10-50723612-G-A.
Other names: c.2953C>T, p.Arg985Ter (NM_001277059.2); c.1549C>T, p.Arg517Ter (NM_170753.3); c.1397+8467C>T (NM_001346440.2, NM_000124.4); short protein forms R517*, R985*.
Identifiers: ClinVar variation 4856958 (VCV004856958.2).

ClinVar aggregate classification (germline): Likely pathogenic (1 of 4 stars; one submission).

gnomAD v4.1: 4 of 1,614,020 alleles (0.00025%); highest among the groups gnomAD compares: Non-Finnish European, 0.00025%; no homozygotes.

Submission:

Dasa
Classification: Likely pathogenic. Last evaluated: 2025-09-25. Review status: criteria provided, single submitter. Criteria: DASA Assertion Criteria. Collection method: clinical testing. Allele origin: germline.
Comment: NM_001277058.2(ERCC6):c.2953C>T (p.Arg985*) is a nonsense variant in ERCC6 predicted to introduce a premature termination codon and is predicted to result in an absent or altered protein product. Loss of function is an established disease mechanism for ERCC6-associated disorders. Also, this variant is rare in population databases. Based on the currently available evidence, this variant is classified as likely pathogenic.